The following is an entry in ClinVar:

ClinVar aggregate classification (germline): Uncertain significance (1 of 4 stars; one submission).

Submission:

Medical Genetic Center, Changzhi Maternal and Child Health Care Hospital
Classification: Uncertain significance. Last evaluated: 2025-12-10. Review status: criteria provided, single submitter. Criteria: ACMG/ClinGen CNV Guidelines, 2019. Collection method: clinical testing. Allele origin: unknown.
Comment: 1A, MYT1L partial duplicaition (NM_001303052.2, exon 19-25)

GRCh38/hg38 2p25.3(chr2:999528-1872020)x3

Genes: LALTOP (lung cancer associated lncRNA targeting TOP2A; minus strand), MYT1L (myelin transcription factor 1 like; minus strand), PXDN (peroxidasin; minus strand), SNTG2 (syntrophin gamma 2; plus strand), TPO (thyroid peroxidase; plus strand) and 7 more. Cytogenetic location: 2p25.3.
Variant type: copy number gain.
Change: copy number 3 (three copies instead of two) of chr2:999,528-1,872,020 (872.5 kb, GRCh38 coordinates, 1-based), cytogenetic band 2p25.3.
Identifiers: ClinVar variation 4796016 (VCV004796016.1).